The following is an entry in ClinVar:

NM_000159.4(GCDH):c.881G>T (p.Arg294Leu)

Gene: GCDH (glutaryl-CoA dehydrogenase; plus strand). Cytogenetic location: 19p13.13.
Variant type: single nucleotide variant.
Coding change: c.881G>T on transcript NM_000159.4 (MANE Select); coding-DNA position 881, G replaced by T.
Protein change: p.Arg294Leu; replaces arginine 294 with leucine.
Molecular consequence: missense variant. On other transcripts: non-coding transcript variant (2).
Genome position (GRCh38, 1-based): chr19:12,896,938, G>T. VCF-style: chr19-12896938-G-T. GRCh37 (hg19) VCF-style: chr19-13007752-G-T.
Other names: c.881G>T, p.Arg294Leu (NM_013976.5); short protein forms R294L.
Identifiers: ClinVar variation 529447 (VCV000529447.11), dbSNP rs775606471, ClinGen allele CA404319365.

ClinVar aggregate classification (germline): Likely pathogenic (1 of 4 stars; one submission).

Conditions:
Glutaric aciduria, type 1. Also called: GA I; Glutaricaciduria, type I; Glutaryl-CoA dehydrogenase deficiency; Glutaric acidemia type I; Glutaricacidemia Type 1; Glutaric Acidemia Type 1. Identifiers: Orphanet 25, MedGen C0268595, MONDO:0009281, OMIM 231670.

Allele frequency attached by ClinVar (database versions not stated): TOPMed 0.00001.

Submission:

Labcorp Genetics (formerly Invitae), Labcorp
Classification: Likely pathogenic for Glutaric aciduria, type 1. Last evaluated: 2023-04-09. Review status: criteria provided, single submitter. Criteria: Invitae Variant Classification Sherloc (09022015). Collection method: clinical testing. Allele origin: germline.
Comment: This sequence change replaces arginine, which is basic and polar, with leucine, which is neutral and non-polar, at codon 294 of the GCDH protein (p.Arg294Leu). In summary, the currently available evidence indicates that the variant is pathogenic, but additional data are needed to prove that conclusively. Therefore, this variant has been classified as Likely Pathogenic. This variant disrupts the p.Arg294 amino acid residue in GCDH. Other variant(s) that disrupt this residue have been determined to be pathogenic (PMID: 9600243, 15505393, 25762492, 29665094). This suggests that this residue is clinically significant, and that variants that disrupt this residue are likely to be disease-causing. Advanced modeling of protein sequence and biophysical properties (such as structural, functional, and spatial information, amino acid conservation, physicochemical variation, residue mobility, and thermodynamic stability) performed at Invitae indicates that this missense variant is expected to disrupt GCDH protein function. ClinVar contains an entry for this variant (Variation ID: 529447). This missense change has been observed in individual(s) with glutaric acidemia type I (PMID: 34306040). This variant is not present in population databases (gnomAD no frequency).

Literature cited by the submitters: PubMed 9600243; PubMed 15505393; PubMed 25762492; PubMed 29665094; PubMed 34306040.